The following is an entry in ClinVar:

ClinVar aggregate classification (germline): Uncertain significance (1 of 4 stars; one submission).

Allele frequency attached by ClinVar (database versions not stated): gnomAD 0.00002.
gnomAD v4.1: 19 of 1,613,970 alleles (0.0012%); highest among the groups gnomAD compares: Non-Finnish European, 0.0014%; no homozygotes.

Submission:

Labcorp Genetics (formerly Invitae), Labcorp
Classification: Uncertain significance. Last evaluated: 2024-02-26. Review status: criteria provided, single submitter. Criteria: Invitae Variant Classification Sherloc (09022015). Collection method: clinical testing. Allele origin: germline.
Comment: This sequence change replaces arginine, which is basic and polar, with glutamine, which is neutral and polar, at codon 411 of the FN1 protein (p.Arg411Gln). This variant is present in population databases (no rsID available, gnomAD 0.002%). This variant has not been reported in the literature in individuals affected with FN1-related conditions. Advanced modeling of protein sequence and biophysical properties (such as structural, functional, and spatial information, amino acid conservation, physicochemical variation, residue mobility, and thermodynamic stability) performed at Invitae indicates that this missense variant is not expected to disrupt FN1 protein function with a negative predictive value of 80%. In summary, the available evidence is currently insufficient to determine the role of this variant in disease. Therefore, it has been classified as a Variant of Uncertain Significance.

NM_212482.4(FN1):c.1232G>A (p.Arg411Gln)

Genes: FN1 (fibronectin 1; minus strand), LOC126806498 (CDK7 strongly-dependent group 2 enhancer GRCh37_chr2:216288045-216289244; plus strand). Cytogenetic location: 2q35.
Variant type: single nucleotide variant.
Coding change: c.1232G>A on transcript NM_212482.4 (MANE Select); coding-DNA position 1232, G replaced by A.
Protein change: p.Arg411Gln; replaces arginine 411 with glutamine.
Molecular consequence: missense variant.
Genome position (GRCh38, 1-based): chr2:215,423,511, C>T on the plus strand (G>A on the coding strand, the complement: FN1 is on the minus strand). VCF-style: chr2-215423511-C-T. GRCh37 (hg19) VCF-style: chr2-216288234-C-T.
Other names: c.1232G>A, p.Arg411Gln (NM_001306129.2, NM_001306130.2, NM_001306131.2 and 14 more transcripts); short protein forms R411Q.
Identifiers: ClinVar variation 2867171 (VCV002867171.3), dbSNP rs774390890, ClinGen allele CA350470773.